The following is an entry in ClinVar:

ClinVar aggregate classification (germline): Pathogenic. Review status: reviewed by expert panel (3 of 4 stars). 2 submissions from 2 submitters: Pathogenic (1). 1 of the submissions does not count toward it. Last evaluated 2019-04-08.

Conditions:
Phenylketonuria (PKU). Also called: Phenylketonuria (PKU); FOLLING DISEASE; OLIGOPHRENIA PHENYLPYRUVICA; Phenylketonurias. Identifiers: Orphanet 716, MedGen C0031485, MONDO:0009861, OMIM 261600. Disease mechanism: loss of function.

Submissions (2):

ClinGen PAH Variant Curation Expert Panel
Classification: Pathogenic for Phenylketonuria. Last evaluated: 2019-04-08. Review status: reviewed by expert panel. Criteria: ClinGen PAH ACMG Specifications v1. Collection method: curation. Allele origin: germline. Inheritance: Autosomal recessive inheritance.
Comment: The c.498C>A (p.Tyr166Ter) variant in PAH is a nonsense variant in exon 5 of 13 in PAH, predicted to undergo nonsense mediated decay with the truncated region critical to protein function. It has been reported in individuals with Classic PKU in German and Chinese cohorts. (PP4, PMID:16256386; 10394930). This variant is absent from ExAC/gnomAD, 1000 Genomes, and ESP (PM2). This variant was detected with multiple known pathogenic variants (PM3). In summary, this variant meets criteria to be classified as pathogenic for PAH. PAH-specific ACMG/AMP criteria applied: PVS1, PM2, PM3, PP4.

DeBelle Laboratory for Biochemical Genetics, MUHC/MCH RESEARCH INSTITUTE
No classification provided. Review status: no classification provided. Collection method: not provided. Allele origin: not provided. Not counted in ClinVar's aggregate classification.

Literature cited by the submitters: PubMed 16256386 (cited by ClinGen PAH Variant Curation Expert Panel).

NM_000277.3(PAH):c.498C>A (p.Tyr166Ter)

Gene: PAH (phenylalanine hydroxylase; minus strand). Cytogenetic location: 12q23.2.
Variant type: single nucleotide variant.
Coding change: c.498C>A on transcript NM_000277.3 (MANE Select); coding-DNA position 498, C replaced by A.
Protein change: p.Tyr166Ter; replaces tyrosine 166 with a stop codon.
Molecular consequence: nonsense.
Genome position (GRCh38, 1-based): chr12:102,866,607, G>T on the plus strand (C>A on the coding strand, the complement: PAH is on the minus strand). VCF-style: chr12-102866607-G-T. GRCh37 (hg19) VCF-style: chr12-103260385-G-T.
Other names: c.498C>A, p.Tyr166Ter (NM_001354304.2); short protein forms Y166*.
Identifiers: ClinVar variation 102702 (VCV000102702.2), dbSNP rs199475645, ClinGen allele CA229583.
Genomic context (GRCh38, chr12:102,866,607, plus strand): 5'-CTAGGGGTGTGTTTTTCTCTCTTCCCCTCAACAAGCAAGGCAGACTTACTGGCGGTAGTT[G>T]TAGGCAATGTCAGCAAACTGCTTCCGTCTTGCACGGTACACAGGATCTTTAAAACCCTAG-3'